The following is an entry in ClinVar:

NM_014754.3(PTDSS1):c.418G>A (p.Ala140Thr)

Gene: PTDSS1 (phosphatidylserine synthase 1; plus strand). Cytogenetic location: 8q22.1.
Variant type: single nucleotide variant.
Coding change: c.418G>A on transcript NM_014754.3 (MANE Select); coding-DNA position 418, G replaced by A.
Protein change: p.Ala140Thr; replaces alanine 140 with threonine.
Molecular consequence: missense variant. On other transcripts: intron variant (1).
Genome position (GRCh38, 1-based): chr8:96,287,123, G>A. VCF-style: chr8-96287123-G-A. GRCh37 (hg19) VCF-style: chr8-97299351-G-A.
Other names: c.4-7975G>A (NM_001290225.2); short protein forms A140T.
Identifiers: ClinVar variation 2324610 (VCV002324610.5), dbSNP rs769835679, ClinGen allele CA4816565.

ClinVar aggregate classification (germline): Uncertain significance. Review status: criteria provided, multiple submitters, no conflicts (2 of 4 stars). 2 submissions from 2 submitters: Uncertain significance (2). Last evaluated 2025-01-01.

Conditions:
Inborn genetic diseases. Identifiers: MedGen C0950123, MeSH D030342.

Allele frequency attached by ClinVar (database versions not stated): ExAC 0.00001; TOPMed 0.00002; gnomAD 0.00003; gnomAD exomes 0.00003.

Submissions (2):

Labcorp Genetics (formerly Invitae), Labcorp
Classification: Uncertain significance. Last evaluated: 2025-01-01. Review status: criteria provided, single submitter. Criteria: Invitae Variant Classification Sherloc (09022015). Collection method: clinical testing. Allele origin: germline.
Comment: This sequence change replaces alanine, which is neutral and non-polar, with threonine, which is neutral and polar, at codon 140 of the PTDSS1 protein (p.Ala140Thr). This variant is present in population databases (rs769835679, gnomAD 0.006%). This variant has not been reported in the literature in individuals affected with PTDSS1-related conditions. ClinVar contains an entry for this variant (Variation ID: 2324610). Invitae Evidence Modeling of protein sequence and biophysical properties (such as structural, functional, and spatial information, amino acid conservation, physicochemical variation, residue mobility, and thermodynamic stability) indicates that this missense variant is not expected to disrupt PTDSS1 protein function with a negative predictive value of 80%. In summary, the available evidence is currently insufficient to determine the role of this variant in disease. Therefore, it has been classified as a Variant of Uncertain Significance.

Ambry Genetics
Classification: Uncertain significance for Inborn genetic diseases. Last evaluated: 2022-11-09. Review status: criteria provided, single submitter. Criteria: Ambry Variant Classification Scheme 2023. Collection method: clinical testing. Allele origin: germline.